The following is an entry in ClinVar:

NM_001845.6(COL4A1):c.2623C>T (p.Pro875Ser)

Gene: COL4A1 (collagen type IV alpha 1 chain; minus strand). Cytogenetic location: 13q34.
Variant type: single nucleotide variant.
Coding change: c.2623C>T on transcript NM_001845.6 (MANE Select); coding-DNA position 2623, C replaced by T.
Protein change: p.Pro875Ser; replaces proline 875 with serine.
Molecular consequence: missense variant.
Genome position (GRCh38, 1-based): chr13:110,178,067, G>A on the plus strand (C>T on the coding strand, the complement: COL4A1 is on the minus strand). VCF-style: chr13-110178067-G-A. GRCh37 (hg19) VCF-style: chr13-110830414-G-A.
Other names: short protein forms P875S.
Identifiers: ClinVar variation 2278277 (VCV002278277.5), dbSNP rs1220186179, ClinGen allele CA388667714.

ClinVar aggregate classification (germline): Uncertain significance. Review status: criteria provided, multiple submitters, no conflicts (2 of 4 stars). 3 submissions from 3 submitters: Uncertain significance (3). Last evaluated 2024-11-13.

Conditions:
Inborn genetic diseases. Identifiers: MedGen C0950123, MeSH D030342.

Allele frequency attached by ClinVar (database versions not stated): gnomAD exomes below 0.00001.
gnomAD v4.1: 3 of 1,614,116 alleles (0.00019%); highest among the groups gnomAD compares: Non-Finnish European, 0.00025%; no homozygotes.

Submissions (3):

GeneDx
Classification: Uncertain significance. Last evaluated: 2024-11-13. Review status: criteria provided, single submitter. Criteria: GeneDx Variant Classification Process June 2021. Collection method: clinical testing. Allele origin: germline. Affected: yes.
Comment: Not observed at significant frequency in large population cohorts (gnomAD); In silico analysis indicates that this missense variant does not alter protein structure/function; Has not been previously published as pathogenic or benign to our knowledge

Labcorp Genetics (formerly Invitae), Labcorp
Classification: Uncertain significance. Last evaluated: 2024-05-24. Review status: criteria provided, single submitter. Criteria: Invitae Variant Classification Sherloc (09022015). Collection method: clinical testing. Allele origin: germline.
Comment: This sequence change replaces proline, which is neutral and non-polar, with serine, which is neutral and polar, at codon 875 of the COL4A1 protein (p.Pro875Ser). This variant is present in population databases (no rsID available, gnomAD 0.0009%). This variant has not been reported in the literature in individuals affected with COL4A1-related conditions. ClinVar contains an entry for this variant (Variation ID: 2278277). An algorithm developed to predict the effect of missense changes on protein structure and function (PolyPhen-2) suggests that this variant is likely to be tolerated. In summary, the available evidence is currently insufficient to determine the role of this variant in disease. Therefore, it has been classified as a Variant of Uncertain Significance.

Ambry Genetics
Classification: Uncertain significance for Inborn genetic diseases. Last evaluated: 2022-03-11. Review status: criteria provided, single submitter. Criteria: Ambry Variant Classification Scheme 2023. Collection method: clinical testing. Allele origin: germline.